The following is an entry in ClinVar:

ClinVar aggregate classification (germline): Uncertain significance. Review status: criteria provided, multiple submitters, no conflicts (2 of 4 stars). 2 submissions from 2 submitters: Uncertain significance (2). Last evaluated 2024-07-01.

Conditions:
Singleton-Merten syndrome 1 (SGMRT1). Also called: Widened medullary cavities of bone, aortic calcification, abnormal dentition, and muscular weakness; Syndrome of widened medullary cavities of the metacarpals and phalanges, aortic calcification and abnormal dentition. Identifiers: Orphanet 85191, MedGen C4225427, MONDO:0024535, OMIM 182250.
Aicardi-Goutieres syndrome 7 (AGS7). Identifiers: Orphanet 51, MedGen C3888244, MONDO:0014367, OMIM 615846.

gnomAD v4.1: 3 of 1,612,464 alleles (0.00019%); highest among the groups gnomAD compares: Admixed American, 0.0017%; no homozygotes.

Submissions (2):

Labcorp Genetics (formerly Invitae), Labcorp
Classification: Uncertain significance for Aicardi-Goutieres syndrome 7; Singleton-Merten syndrome 1. Last evaluated: 2024-07-01. Review status: criteria provided, single submitter. Criteria: Invitae Variant Classification Sherloc (09022015). Collection method: clinical testing. Allele origin: germline.
Comment: This sequence change replaces alanine, which is neutral and non-polar, with proline, which is neutral and non-polar, at codon 496 of the IFIH1 protein (p.Ala496Pro). This variant is not present in population databases (gnomAD no frequency). This variant has not been reported in the literature in individuals affected with IFIH1-related conditions. Advanced modeling of protein sequence and biophysical properties (such as structural, functional, and spatial information, amino acid conservation, physicochemical variation, residue mobility, and thermodynamic stability) has been performed at Invitae for this missense variant, however the output from this modeling did not meet the statistical confidence thresholds required to predict the impact of this variant on IFIH1 protein function. In summary, the available evidence is currently insufficient to determine the role of this variant in disease. Therefore, it has been classified as a Variant of Uncertain Significance.

Blueprint Genetics
Classification: Uncertain significance. Last evaluated: 2024-04-18. Review status: criteria provided, single submitter. Criteria: ACMG Guidelines, 2015. Collection method: clinical testing. Allele origin: germline.

NM_022168.4(IFIH1):c.1486G>C (p.Ala496Pro)

Gene: IFIH1 (interferon induced with helicase C domain 1; minus strand). Cytogenetic location: 2q24.2.
Variant type: single nucleotide variant.
Coding change: c.1486G>C on transcript NM_022168.4 (MANE Select); coding-DNA position 1486, G replaced by C.
Protein change: p.Ala496Pro; replaces alanine 496 with proline.
Molecular consequence: missense variant.
Genome position (GRCh38, 1-based): chr2:162,281,366, C>G on the plus strand (G>C on the coding strand, the complement: IFIH1 is on the minus strand). VCF-style: chr2-162281366-C-G. GRCh37 (hg19) VCF-style: chr2-163137876-C-G.
Other names: short protein forms A496P.
Identifiers: ClinVar variation 3749223 (VCV003749223.3).
Genomic context (GRCh38, chr2:162,281,366, plus strand): 5'-TATACATAAAATTATGACTTACTTTTAAAATGTGTTCTTCAGCTTTGGCTTGCTTCGTGG[C>G]CCCTCCAACACCAGGTGAAGCTGTTAGTCCCAGTATCTGAGGAAGGGGAATCACTGGTTT-3'
Protein context (NP_071451.2, residues 486-506): GLTASPGVGG[Ala496Pro]TKQAKAEEHI